The following is an entry in ClinVar:

NM_000393.5(COL5A2):c.1345C>A (p.Pro449Thr)

Gene: COL5A2 (collagen type V alpha 2 chain; minus strand). Cytogenetic location: 2q32.2.
Variant type: single nucleotide variant.
Coding change: c.1345C>A on transcript NM_000393.5 (MANE Select); coding-DNA position 1345, C replaced by A.
Protein change: p.Pro449Thr; replaces proline 449 with threonine.
Molecular consequence: missense variant.
Genome position (GRCh38, 1-based): chr2:189,068,071, G>T on the plus strand (C>A on the coding strand, the complement: COL5A2 is on the minus strand). VCF-style: chr2-189068071-G-T. GRCh37 (hg19) VCF-style: chr2-189932797-G-T.
Other names: short protein forms P449T.
Identifiers: ClinVar variation 4635351 (VCV004635351.2).

ClinVar aggregate classification (germline): Uncertain significance. Review status: criteria provided, multiple submitters, no conflicts (2 of 4 stars). 2 submissions from 2 submitters: Uncertain significance (2). Last evaluated 2025-09-24.

Conditions:
Familial thoracic aortic aneurysm and aortic dissection (TAAD). Also called: Thoracic aortic aneurysms and dissections. Identifiers: Orphanet 91387, MedGen C4707243, MONDO:0019625.
Ehlers-Danlos syndrome, classic type, 1 (EDSCL1). Also called: EHLERS-DANLOS SYNDROME, GRAVIS TYPE; EHLERS-DANLOS SYNDROME, SEVERE CLASSIC TYPE; Ehlers-Danlos syndrome, type 1; Ehlers-Danlos Syndrome, Classic Type, COL5A1-Related; EDS I. Identifiers: MedGen C0268335, MONDO:0019567, OMIM 130000.

gnomAD v4.1: 1 of 1,614,044 alleles (0.000062%); highest among the groups gnomAD compares: African/African-American, 0.0013%; no homozygotes.

Submissions (2):

Ambry Genetics
Classification: Uncertain significance for Familial thoracic aortic aneurysm and aortic dissection. Last evaluated: 2025-09-24. Review status: criteria provided, single submitter. Criteria: Ambry Variant Classification Scheme 2023. Collection method: clinical testing. Allele origin: germline.
Comment: The p.P449T variant (also known as c.1345C>A), located in coding exon 21 of the COL5A2 gene, results from a C to A substitution at nucleotide position 1345. The proline at codon 449 is replaced by threonine, an amino acid with highly similar properties. This amino acid position is not well conserved in available vertebrate species. In addition, the in silico prediction for this alteration is inconclusive. Based on the available evidence, the clinical significance of this variant remains unclear.

Labcorp Genetics (formerly Invitae), Labcorp
Classification: Uncertain significance for Ehlers-Danlos syndrome, classic type, 1. Last evaluated: 2025-08-16. Review status: criteria provided, single submitter. Criteria: Invitae Variant Classification Sherloc (09022015). Collection method: clinical testing. Allele origin: germline.
Comment: This sequence change replaces proline, which is neutral and non-polar, with threonine, which is neutral and polar, at codon 449 of the COL5A2 protein (p.Pro449Thr). This variant is not present in population databases (gnomAD no frequency). This variant has not been reported in the literature in individuals affected with COL5A2-related conditions. Invitae Evidence Modeling of protein sequence and biophysical properties (such as structural, functional, and spatial information, amino acid conservation, physicochemical variation, residue mobility, and thermodynamic stability) indicates that this missense variant is not expected to disrupt COL5A2 protein function with a negative predictive value of 80%. In summary, the available evidence is currently insufficient to determine the role of this variant in disease. Therefore, it has been classified as a Variant of Uncertain Significance.